The following is an entry in ClinVar:

ClinVar aggregate classification (germline): Benign. Review status: criteria provided, multiple submitters, no conflicts (2 of 4 stars). 3 submissions from 3 submitters: Benign (3). Last evaluated 2023-11-02.

Conditions:
Proteasome-associated autoinflammatory syndrome 3. Identifiers: MedGen C4747850, MONDO:0054699, OMIM 617591.

Allele frequency attached by ClinVar (database versions not stated): ESP Exome Variant Server 0.97032; TOPMed 0.97245; gnomAD 0.97364 and 0.97543; 1000 Genomes Project 30x 0.97423; 1000 Genomes Project 0.97584; gnomAD exomes 0.99768.

Submissions (3):

Unidad de Genómica Garrahan, Hospital de Pediatría Garrahan
Classification: Benign. Last evaluated: 2023-11-02. Review status: criteria provided, single submitter. Criteria: ACMG Guidelines, 2015. Collection method: clinical testing. Allele origin: germline. Affected: no. Observed: 96 variant alleles.
Comment: This variant is classified as Benign based on local population frequency. This variant was detected in 100% of patients studied by a panel of primary immunodeficiencies. Number of patients: 96. Only high quality variants are reported.

Genome-Nilou Lab
Classification: Benign for Proteasome-associated autoinflammatory syndrome 3. Last evaluated: 2021-10-25. Review status: criteria provided, single submitter. Criteria: ACMG Guidelines, 2015. Collection method: clinical testing. Allele origin: germline. Affected: no.

Breakthrough Genomics
Classification: Benign. Review status: criteria provided, single submitter. Criteria: ACMG Guidelines, 2015. Collection method: not provided. Allele origin: germline. Inheritance: Autosomal recessive inheritance. Affected: yes.

NM_002796.3(PSMB4):c.495-40T>C

Gene: PSMB4 (proteasome 20S subunit beta 4; plus strand). Cytogenetic location: 1q21.3.
Variant type: single nucleotide variant.
Coding change: c.495-40T>C on transcript NM_002796.3 (MANE Select); 40 bases into the intron before coding-DNA position 495, T replaced by C.
Molecular consequence: intron variant.
Genome position (GRCh38, 1-based): chr1:151,400,724, T>C. VCF-style: chr1-151400724-T-C. GRCh37 (hg19) VCF-style: chr1-151373200-T-C.
Identifiers: ClinVar variation 1327453 (VCV001327453.5), dbSNP rs2495391, ClinGen allele CA1090677.
Genomic context (GRCh38, chr1:151,400,724, plus strand): 5'-TCCCCAAGTGAATCCCACTTTAACTCAGACCCCATGGTCCCCTTCTTCAGCTAAGATGAA[T>C]CTAAGGTGAAATGAGTTTTGACCCATTGTGTCCTGTTAGCTTCCTCGGTTATGTGGACAT-3'